The following is an entry in ClinVar:

NM_000059.4(BRCA2):c.899dup (p.Asp301fs)

Gene: BRCA2 (BRCA2 DNA repair associated; plus strand). Cytogenetic location: 13q13.1.
Variant type: Duplication.
Coding change: c.899dup on transcript NM_000059.4 (MANE Select); coding-DNA position 899, one base duplicated (T; older notation c.899dupT).
Protein change: p.Asp301fs; shifts the reading frame from aspartic acid 301.
Molecular consequence: frameshift variant.
Genome position (GRCh38, 1-based): chr13:32,332,377, T duplicated. VCF-style (leftmost placement, unchanged base first): chr13-32332376-G-GT. GRCh37 (hg19) VCF-style: chr13-32906513-G-GT.
Other names: c.899dupT (NM_000059.3); c.899dup, p.Asp301Argfs (NM_001406719.1, NM_001406720.1, NM_001406721.1); short protein forms D301fs.
Identifiers: ClinVar variation 1765381 (VCV001765381.2), dbSNP rs2548519069, ClinGen allele CA2580087157.

ClinVar aggregate classification (germline): Pathogenic (1 of 4 stars; one submission).

Conditions:
Hereditary cancer-predisposing syndrome. Also called: Neoplastic Syndromes, Hereditary; Tumor predisposition; Hereditary Cancer Syndrome; Hereditary neoplastic syndrome. Identifiers: Orphanet 140162, MedGen C0027672, MeSH D009386, MONDO:0015356.

Submission:

Ambry Genetics
Classification: Pathogenic for Hereditary cancer-predisposing syndrome. Last evaluated: 2020-07-22. Review status: criteria provided, single submitter. Criteria: Ambry Variant Classification Scheme 2023. Collection method: clinical testing. Allele origin: germline.
Comment: The c.899dupT pathogenic mutation, located in coding exon 9 of the BRCA2 gene, results from a duplication of T at nucleotide position 899, causing a translational frameshift with a predicted alternate stop codon (p.D301Rfs*4). This alteration is expected to result in loss of function by premature protein truncation or nonsense-mediated mRNA decay. As such, this alteration is interpreted as a disease-causing mutation.